The following is an entry in ClinVar:

NM_053025.4(MYLK):c.2958T>C (p.Gly986=)

Gene: MYLK (myosin light chain kinase; minus strand). Cytogenetic location: 3q21.1.
Variant type: single nucleotide variant.
Coding change: c.2958T>C on transcript NM_053025.4 (MANE Select); coding-DNA position 2958, T replaced by C.
Protein change: p.Gly986=; no amino-acid change (glycine 986 retained).
Molecular consequence: synonymous variant.
Genome position (GRCh38, 1-based): chr3:123,700,510, A>G on the plus strand (T>C on the coding strand, the complement: MYLK is on the minus strand). VCF-style: chr3-123700510-A-G. GRCh37 (hg19) VCF-style: chr3-123419357-A-G.
Other names: c.2430T>C, p.Gly810= (NM_001321309.2); c.2751T>C, p.Gly917= (NM_053026.4, NM_053028.4); c.2958T>C, p.Gly986= (NM_053027.4).
Identifiers: ClinVar variation 509809 (VCV000509809.1), dbSNP rs758026805, ClinGen allele CA069188.
Genomic context (GRCh38, chr3:123,700,510, plus strand): 5'-CTTGGCATTCAGGGTCTCGGCACTGCTGCTGCCATTCTCTGCTGGTAATTTCTTCTTGCC[A>G]CCCAGCACTGAGCGAAAATCCGGGGTGGCAGGTTTTGGCGGTGGCACCTTCTCAGGCACG-3'
Protein context (NP_444253.3, residues 976-996): PATPDFRSVL[Gly986=]GKKKLPAENG

ClinVar aggregate classification (germline): Likely benign (1 of 4 stars; one submission).

Allele frequency attached by ClinVar (database versions not stated): gnomAD exomes below 0.00001 and 0.00001; ExAC 0.00001.
gnomAD v4.1: 3 of 1,612,942 alleles (0.00019%); highest among the groups gnomAD compares: South Asian, 0.0022%; no homozygotes.

Submission:

GeneDx
Classification: Likely benign. Last evaluated: 2017-05-25. Review status: criteria provided, single submitter. Criteria: GeneDx Variant Classification (06012015). Collection method: clinical testing. Allele origin: germline. Affected: yes.
Comment: This variant is considered likely benign or benign based on one or more of the following criteria: it is a conservative change, it occurs at a poorly conserved position in the protein, it is predicted to be benign by multiple in silico algorithms, and/or has population frequency not consistent with disease.